The following is an entry in ClinVar:

NM_000218.3(KCNQ1):c.642C>G (p.Cys214Trp)

Gene: KCNQ1 (potassium voltage-gated channel subfamily Q member 1; plus strand). Cytogenetic location: 11p15.5.
Variant type: single nucleotide variant.
Coding change: c.642C>G on transcript NM_000218.3 (MANE Select); coding-DNA position 642, C replaced by G.
Protein change: p.Cys214Trp; replaces cysteine 214 with tryptophan.
Molecular consequence: missense variant.
Genome position (GRCh38, 1-based): chr11:2,571,362, C>G. VCF-style: chr11-2571362-C-G. GRCh37 (hg19) VCF-style: chr11-2592592-C-G.
Other names: c.642C>G, p.Cys214Trp (NM_001406836.1); c.372C>G, p.Cys124Trp (NM_001406837.1); c.261C>G, p.Cys87Trp (NM_181798.2); short protein forms C214W, C87W, C124W.
Identifiers: ClinVar variation 942858 (VCV000942858.9), dbSNP rs775479779, ClinGen allele CA379130535.

ClinVar aggregate classification (germline): Uncertain significance (1 of 4 stars; one submission).

Conditions:
Long QT syndrome (LQTS). Identifiers: MedGen C0023976, MeSH D008133, MONDO:0002442. Disease mechanism: loss of function. Inheritance: Various modes of inheritance.

Submission:

Labcorp Genetics (formerly Invitae), Labcorp
Classification: Uncertain significance for Long QT syndrome. Last evaluated: 2021-09-03. Review status: criteria provided, single submitter. Criteria: Invitae Variant Classification Sherloc (09022015). Collection method: clinical testing. Allele origin: germline.
Comment: Algorithms developed to predict the effect of missense changes on protein structure and function are either unavailable or do not agree on the potential impact of this missense change (SIFT: "Deleterious"; PolyPhen-2: "Probably Damaging"; Align-GVGD: "Class C0"). In summary, the available evidence is currently insufficient to determine the role of this variant in disease. Therefore, it has been classified as a Variant of Uncertain Significance. This missense change has been observed in individual(s) with clinical features of KCNQ1-related conditions (Invitae). In at least one individual the data is consistent with the variant being in trans (on the opposite chromosome) from a pathogenic variant. This variant is not present in population databases (ExAC no frequency). This sequence change replaces cysteine with tryptophan at codon 214 of the KCNQ1 protein (p.Cys214Trp). The cysteine residue is moderately conserved and there is a large physicochemical difference between cysteine and tryptophan.